The following is an entry in ClinVar:

ClinVar aggregate classification (germline): Uncertain significance (1 of 4 stars; one submission).

Conditions:
Charcot-Marie-Tooth disease dominant intermediate B (CMTDIB). Also called: Charcot-Marie-Tooth disease dominant intermediate 1; CMT DI1; Charcot-Marie-Tooth disease dominant intermediate I; CHARCOT-MARIE-TOOTH NEUROPATHY, DOMINANT INTERMEDIATE B. Identifiers: Orphanet 100044, Orphanet 228179, MedGen C1847902, MONDO:0011674, OMIM 606482.

Submission:

Labcorp Genetics (formerly Invitae), Labcorp
Classification: Uncertain significance for Charcot-Marie-Tooth disease dominant intermediate B. Last evaluated: 2024-02-06. Review status: criteria provided, single submitter. Criteria: Invitae Variant Classification Sherloc (09022015). Collection method: clinical testing. Allele origin: germline.
Comment: This sequence change replaces lysine, which is basic and polar, with asparagine, which is neutral and polar, at codon 571 of the DNM2 protein (p.Lys571Asn). This variant is not present in population databases (gnomAD no frequency). This variant has not been reported in the literature in individuals affected with DNM2-related conditions. Advanced modeling of protein sequence and biophysical properties (such as structural, functional, and spatial information, amino acid conservation, physicochemical variation, residue mobility, and thermodynamic stability) has been performed at Invitae for this missense variant, however the output from this modeling did not meet the statistical confidence thresholds required to predict the impact of this variant on DNM2 protein function. In summary, the available evidence is currently insufficient to determine the role of this variant in disease. Therefore, it has been classified as a Variant of Uncertain Significance.

NM_001005361.3(DNM2):c.1713G>T (p.Lys571Asn)

Gene: DNM2 (dynamin 2; plus strand). Cytogenetic location: 19p13.2.
Variant type: single nucleotide variant.
Coding change: c.1713G>T on transcript NM_001005361.3 (MANE Select); coding-DNA position 1713, G replaced by T.
Protein change: p.Lys571Asn; replaces lysine 571 with asparagine.
Molecular consequence: missense variant.
Genome position (GRCh38, 1-based): chr19:10,820,021, G>T. VCF-style: chr19-10820021-G-T. GRCh37 (hg19) VCF-style: chr19-10930697-G-T.
Other names: c.1701G>T, p.Lys567Asn (NM_001005362.3, NM_004945.4); c.1713G>T, p.Lys571Asn (NM_001190716.2, NM_001005360.3); short protein forms K571N, K567N.
Identifiers: ClinVar variation 2727732 (VCV002727732.3), dbSNP rs2513333386, ClinGen allele CA404040388.
Genomic context (GRCh38, chr19:10,820,021, plus strand): 5'-CTTTTCCCTCCACCCTCAGGAGAAAGAGAAGAAGTACATGCTGCCTCTGGACAACCTCAA[G>T]ATCCGTGATGTGGAGAAGGGCTTCATGTCCAACAAGCACGTCTTCGCCATCTTCAACACG-3'
Protein context (NP_001005361.1, residues 561-581): KKYMLPLDNL[Lys571Asn]IRDVEKGFMS